The following is an entry in ClinVar:

ClinVar aggregate classification (germline): Likely benign (0 of 4 stars; one submission).

Conditions:
SCN3A-related disorder. Also called: SCN3A-related condition.

Allele frequency attached by ClinVar (database versions not stated): gnomAD exomes below 0.00001.
gnomAD v4.1: 2 of 1,613,754 alleles (0.00012%); highest among the groups gnomAD compares: Non-Finnish European, 0.000085%; no homozygotes.

Submission:

PreventionGenetics, part of Exact Sciences
Classification: Likely benign for SCN3A-related condition. Last evaluated: 2019-02-21. Review status: no assertion criteria provided. Collection method: clinical testing. Allele origin: germline.
Comment: This variant is classified as likely benign based on ACMG/AMP sequence variant interpretation guidelines (Richards et al. 2015 PMID: 25741868, with internal and published modifications).

NM_006922.4(SCN3A):c.3402T>C (p.Asn1134=)

Gene: SCN3A (sodium voltage-gated channel alpha subunit 3; minus strand). Cytogenetic location: 2q24.3.
Variant type: single nucleotide variant.
Coding change: c.3402T>C on transcript NM_006922.4 (MANE Select); coding-DNA position 3402, T replaced by C.
Protein change: p.Asn1134=; no amino-acid change (asparagine 1134 retained).
Molecular consequence: synonymous variant.
Genome position (GRCh38, 1-based): chr2:165,115,567, A>G on the plus strand (T>C on the coding strand, the complement: SCN3A is on the minus strand). VCF-style: chr2-165115567-A-G. GRCh37 (hg19) VCF-style: chr2-165972077-A-G.
Other names: c.3255T>C, p.Asn1085= (NM_001081676.2, NM_001081677.2).
Identifiers: ClinVar variation 3046720 (VCV003046720.2), dbSNP rs2468167626, ClinGen allele CA429883591.